The following is an entry in ClinVar:

NM_000081.4(LYST):c.1475A>G (p.His492Arg)

Gene: LYST (lysosomal trafficking regulator; minus strand). Cytogenetic location: 1q42.3.
Variant type: single nucleotide variant.
Coding change: c.1475A>G on transcript NM_000081.4 (MANE Select); coding-DNA position 1475, A replaced by G.
Protein change: p.His492Arg; replaces histidine 492 with arginine.
Molecular consequence: missense variant.
Genome position (GRCh38, 1-based): chr1:235,809,343, T>C on the plus strand (A>G on the coding strand, the complement: LYST is on the minus strand). VCF-style: chr1-235809343-T-C. GRCh37 (hg19) VCF-style: chr1-235972643-T-C.
Other names: c.1475A>G, p.His492Arg (NM_001301365.1); short protein forms H492R.
Identifiers: ClinVar variation 1428773 (VCV001428773.4), dbSNP rs2527114778, ClinGen allele CA344962318.

ClinVar aggregate classification (germline): Uncertain significance (1 of 4 stars; one submission).

Conditions:
Chédiak-Higashi syndrome (CHS). Also called: Chediak-Higashi Syndrome. Identifiers: Orphanet 167, MedGen C0007965, MONDO:0008963, OMIM 214500.

Submission:

Labcorp Genetics (formerly Invitae), Labcorp
Classification: Uncertain significance for Chédiak-Higashi syndrome. Last evaluated: 2021-12-08. Review status: criteria provided, single submitter. Criteria: Invitae Variant Classification Sherloc (09022015). Collection method: clinical testing. Allele origin: germline.
Comment: This variant has not been reported in the literature in individuals affected with LYST-related conditions. In summary, the available evidence is currently insufficient to determine the role of this variant in disease. Therefore, it has been classified as a Variant of Uncertain Significance. Algorithms developed to predict the effect of missense changes on protein structure and function are either unavailable or do not agree on the potential impact of this missense change (SIFT: "Deleterious"; PolyPhen-2: "Probably Damaging"; Align-GVGD: "Class C0"). This variant is not present in population databases (gnomAD no frequency). This sequence change replaces histidine, which is basic and polar, with arginine, which is basic and polar, at codon 492 of the LYST protein (p.His492Arg).